The following is an entry in ClinVar:

NM_024312.5(GNPTAB):c.2647_2648delinsTATAAGAGACAGT (p.His883fs)

Gene: GNPTAB (N-acetylglucosamine-1-phosphate transferase subunits alpha and beta; minus strand). Cytogenetic location: 12q23.2.
Variant type: Indel.
Coding change: c.2647_2648delinsTATAAGAGACAGT on transcript NM_024312.5 (MANE Select); coding-DNA positions 2647 to 2648, CA replaced by TATAAGAGACAGT.
Protein change: p.His883fs; shifts the reading frame from histidine 883.
Molecular consequence: frameshift variant.
Genome position (GRCh38, 1-based): chr12:101,764,269-101,764,270, TG replaced by ACTGTCTCTTATA on the plus strand (CA replaced by TATAAGAGACAGT on the coding strand, the reverse complement: GNPTAB is on the minus strand). VCF-style: chr12-101764269-TG-ACTGTCTCTTATA. GRCh37 (hg19) VCF-style: chr12-102158047-TG-ACTGTCTCTTATA.
Other names: short protein forms H883fs.
Identifiers: ClinVar variation 5011496 (VCV005011496.1).

ClinVar aggregate classification (germline): Pathogenic (1 of 4 stars; one submission).

Conditions:
GNPTAB-mucolipidosis. Also called: UDP-N-acetylglucosamine-1-phosphotransferase subunit alpha/beta deficiency. Identifiers: MedGen CN322573, MONDO:0100122.

Submission:

Myriad Genetics, Inc.
Classification: Pathogenic for GNPTAB-mucolipidosis. Last evaluated: 2023-08-31. Review status: criteria provided, single submitter. Criteria: Myriad Autosomal Dominant, Autosomal Recessive and X-Linked Classification Criteria (2023). Collection method: clinical testing. Allele origin: unknown.
Comment: NM_024312.4(GNPTAB):c.2647_2648del2ins13(H883Yfs*32) is expected to be pathogenic in the context of GNPTAB-related disorders. This variant is predicted to lead to an abnormal or absent protein product due to the creation of a premature termination codon in GNPTAB, a gene where loss-of-function variants are known to be pathogenic. Please note: this variant was assessed in the context of healthy population screening.